The following is an entry in ClinVar:

NM_002474.3(MYH11):c.3125G>A (p.Arg1042Gln)

Gene: MYH11 (myosin heavy chain 11; minus strand). Cytogenetic location: 16p13.11.
Variant type: single nucleotide variant.
Coding change: c.3125G>A on transcript NM_002474.3 (MANE Select); coding-DNA position 3125, G replaced by A.
Protein change: p.Arg1042Gln; replaces arginine 1042 with glutamine.
Molecular consequence: missense variant.
Genome position (GRCh38, 1-based): chr16:15,737,617, C>T on the plus strand (G>A on the coding strand, the complement: MYH11 is on the minus strand). VCF-style: chr16-15737617-C-T. GRCh37 (hg19) VCF-style: chr16-15831474-C-T.
Other names: p.R1042Q:CGG>CAG; c.3146G>A, p.Arg1049Gln (NM_001040113.2, NM_001040114.2); c.3125G>A, p.Arg1042Gln (NM_022844.3); short protein forms R1042Q, R1049Q.
Identifiers: ClinVar variation 201059 (VCV000201059.26), dbSNP rs771297865, ClinGen allele CA306519.

ClinVar aggregate classification (germline): Uncertain significance. Review status: criteria provided, multiple submitters, no conflicts (2 of 4 stars). 8 submissions from 8 submitters: Uncertain significance (8). Last evaluated 2026-08-10.

Conditions:
Visceral myopathy 2. Identifiers: MedGen C5543466, MONDO:0859157, OMIM 619350.
Megacystis-microcolon-intestinal hypoperistalsis syndrome 2. Identifiers: MedGen C5543476, MONDO:0025708, OMIM 619351.
Aortic aneurysm, familial thoracic 4 (AAT4). Also called: AORTIC ANEURYSM/AORTIC DISSECTION AND PATENT DUCTUS ARTERIOSUS. Identifiers: MedGen C1851504, MONDO:0007568, OMIM 132900.
Familial thoracic aortic aneurysm and aortic dissection (TAAD). Also called: Thoracic aortic aneurysms and dissections. Identifiers: Orphanet 91387, MedGen C4707243, MONDO:0019625.

Allele frequency attached by ClinVar (database versions not stated): TOPMed 0.00004; ExAC 0.00001; gnomAD 0.00002; gnomAD exomes 0.00001.
gnomAD v4.1: 22 of 1,612,036 alleles (0.0014%); highest among the groups gnomAD compares: African/African-American, 0.0027%; no homozygotes.

Submissions (8):

GeneDx
Classification: Uncertain significance. Last evaluated: 2026-08-10. Review status: criteria provided, single submitter. Criteria: GeneDx Variant Classification Process June 2021. Collection method: clinical testing. Allele origin: germline.
Comment: Not observed at significant frequency in large population cohorts (gnomAD); In silico analysis supports that this missense variant has a deleterious effect on protein structure/function; In silico analysis supports a deleterious effect on splicing; Has not been previously published as pathogenic or benign to our knowledge

Labcorp Genetics (formerly Invitae), Labcorp
Classification: Uncertain significance for Aortic aneurysm, familial thoracic 4. Last evaluated: 2025-01-26. Review status: criteria provided, single submitter. Criteria: Invitae Variant Classification Sherloc (09022015). Collection method: clinical testing. Allele origin: germline.
Comment: This sequence change replaces arginine, which is basic and polar, with glutamine, which is neutral and polar, at codon 1049 of the MYH11 protein (p.Arg1049Gln). This variant is present in population databases (rs771297865, gnomAD 0.004%). This variant has not been reported in the literature in individuals affected with MYH11-related conditions. ClinVar contains an entry for this variant (Variation ID: 201059). Invitae Evidence Modeling of protein sequence and biophysical properties (such as structural, functional, and spatial information, amino acid conservation, physicochemical variation, residue mobility, and thermodynamic stability) indicates that this missense variant is not expected to disrupt MYH11 protein function with a negative predictive value of 95%. Algorithms developed to predict the effect of sequence changes on RNA splicing suggest that this variant may create or strengthen a splice site. In summary, the available evidence is currently insufficient to determine the role of this variant in disease. Therefore, it has been classified as a Variant of Uncertain Significance.

ARUP Laboratories, Molecular Genetics and Genomics, ARUP Laboratories
Classification: Uncertain significance. Last evaluated: 2024-10-31. Review status: criteria provided, single submitter. Criteria: ARUP Molecular Germline Variant Investigation Process 2024. Collection method: clinical testing. Allele origin: germline.
Comment: The MYH11 c.3125G>A; p.Arg1042Gln variant (rs771297865), to our knowledge, is not reported in the medical literature but is reported in ClinVar (Variation ID: 201059). This variant is found in the general population with an overall allele frequency of 0.0014% (4/281230 alleles) in the Genome Aggregation Database (v2.1.1). Computational analyses are uncertain whether this variant is neutral or deleterious (REVEL: 0.689). Due to limited information, the clinical significance of this variant is uncertain at this time.

All of Us Research Program, National Institutes of Health
Classification: Uncertain significance for Familial thoracic aortic aneurysm and aortic dissection. Last evaluated: 2024-07-20. Review status: criteria provided, single submitter. Criteria: ACMG Guidelines, 2015. Collection method: clinical testing. Allele origin: germline. Inheritance: Autosomal dominant inheritance. Observed: 8 variant alleles, 8 heterozygotes.
Comment: This missense variant replaces arginine with glutamine at codon 1049 of the MYH11 protein. Computational prediction suggests that this variant may have deleterious impact on protein structure and function (internally defined REVEL score threshold >= 0.7, PMID: 27666373). To our knowledge, functional studies have not been reported for this variant. This variant has been reported in an individual affected with Marfan syndrome (DOI: 10.22541/au.158739953.31329162). This variant has been identified in 4/281230 chromosomes in the general population by the Genome Aggregation Database (gnomAD). The available evidence is insufficient to determine the role of this variant in disease conclusively. Therefore, this variant is classified as a Variant of Uncertain Significance.

This study involves interpretation of variants in research participants for the purpose of population health screening. Participant phenotype was not available at the time of variant classification. Additional details can be found in publication PMID: 35346344, PMCID: PMC8962531

Color Diagnostics, LLC DBA Color Health
Classification: Uncertain significance for Familial thoracic aortic aneurysm and aortic dissection. Last evaluated: 2024-07-12. Review status: criteria provided, single submitter. Criteria: ACMG Guidelines, 2015. Collection method: clinical testing. Allele origin: germline.
Comment: This missense variant replaces arginine with glutamine at codon 1049 of the MYH11 protein. Computational prediction tools indicate that this variant's impact on protein structure and function is inconclusive. To our knowledge, functional studies have not been reported for this variant. This variant has been reported in an individual affected with Marfan syndrome (DOI: 10.22541/au.158739953.31329162). This variant has been identified in 4/281230 chromosomes in the general population by the Genome Aggregation Database (gnomAD). The available evidence is insufficient to determine the role of this variant in disease conclusively. Therefore, this variant is classified as a Variant of Uncertain Significance.

Fulgent Genetics
Classification: Uncertain significance for Aortic aneurysm, familial thoracic 4; Visceral myopathy 2; Megacystis-microcolon-intestinal hypoperistalsis syndrome 2. Last evaluated: 2022-04-11. Review status: criteria provided, single submitter. Criteria: ACMG Guidelines, 2015. Collection method: clinical testing. Allele origin: unknown.

AiLife Diagnostics
Classification: Uncertain significance. Last evaluated: 2022-01-25. Review status: criteria provided, single submitter. Criteria: ACMG Guidelines, 2015. Collection method: clinical testing. Allele origin: germline. Affected: yes. Observed: 2 variant alleles.

Eurofins Ntd Llc (ga)
Classification: Uncertain significance. Last evaluated: 2018-05-22. Review status: criteria provided, single submitter. Criteria: EGL ClinVar v180209 classification definitions. Collection method: clinical testing. Allele origin: germline. Observed: 1 variant allele, 1 heterozygote.